The following is an entry in ClinVar:

ClinVar aggregate classification (germline): Conflicting classifications of pathogenicity. Review status: criteria provided, conflicting classifications (1 of 4 stars). 2 submissions from 2 submitters: Uncertain significance (1); Likely benign (1). Last evaluated 2026-05-05.

Conditions:
Cardiovascular phenotype. Identifiers: MedGen CN230736.

Submissions (2):

GeneDx
Classification: Uncertain significance. Last evaluated: 2026-05-05. Review status: criteria provided, single submitter. Criteria: GeneDx Variant Classification Process June 2021. Collection method: clinical testing. Allele origin: germline.
Comment: Not observed at significant frequency in large population cohorts (gnomAD); In silico analysis suggests that this missense variant does not alter protein structure/function; Has not been previously published as pathogenic or benign to our knowledge

Ambry Genetics
Classification: Likely benign for Cardiovascular phenotype. Last evaluated: 2023-12-13. Review status: criteria provided, single submitter. Criteria: Ambry Variant Classification Scheme 2023. Collection method: clinical testing. Allele origin: germline.

NM_001378454.1(ALMS1):c.10783A>T (p.Thr3595Ser)

Gene: ALMS1 (ALMS1 centrosome and basal body associated protein; plus strand). Cytogenetic location: 2p13.1.
Variant type: single nucleotide variant.
Coding change: c.10783A>T on transcript NM_001378454.1 (MANE Select); coding-DNA position 10783, A replaced by T.
Protein change: p.Thr3595Ser; replaces threonine 3595 with serine.
Molecular consequence: missense variant.
Genome position (GRCh38, 1-based): chr2:73,572,660, A>T. VCF-style: chr2-73572660-A-T. GRCh37 (hg19) VCF-style: chr2-73799787-A-T.
Other names: c.10786A>T, p.Thr3596Ser (NM_015120.4); short protein forms T3595S, T3596S.
Identifiers: ClinVar variation 3226570 (VCV003226570.3), dbSNP rs2466444540, ClinGen allele CA347285462.